The following is an entry in ClinVar:

NM_002769.5(PRSS1):c.671A>G (p.Asn224Ser)

Genes: PRSS1 (serine protease 1; plus strand), TRB (T cell receptor beta locus; plus strand). Cytogenetic location: 7q34.
Variant type: single nucleotide variant.
Coding change: c.671A>G on transcript NM_002769.5 (MANE Select); coding-DNA position 671, A replaced by G.
Protein change: p.Asn224Ser; replaces asparagine 224 with serine.
Molecular consequence: missense variant. On other transcripts: non-coding transcript variant (5).
Genome position (GRCh38, 1-based): chr7:142,752,947, A>G. VCF-style: chr7-142752947-A-G. GRCh37 (hg19) VCF-style: chr7-142460798-A-G.
Other names: short protein forms N224S.
Identifiers: ClinVar variation 1755077 (VCV001755077.2), dbSNP rs1355998219, ClinGen allele CA369610809.

ClinVar aggregate classification (germline): Uncertain significance (1 of 4 stars; one submission).

Conditions:
Hereditary pancreatitis (PCTT). Also called: Hereditary chronic pancreatitis; PRSS1-Related Hereditary Pancreatitis. Identifiers: Orphanet 676, MedGen C0238339, MONDO:0008185, OMIM 167800.

Allele frequency attached by ClinVar (database versions not stated): gnomAD exomes 0.00023; 1000 Genomes Project 30x 0.27639.

Submission:

Ambry Genetics
Classification: Uncertain significance for Hereditary pancreatitis. Last evaluated: 2023-12-07. Review status: criteria provided, single submitter. Criteria: Ambry Variant Classification Scheme 2023. Collection method: clinical testing. Allele origin: germline.
Comment: The p.N224S variant (also known as c.671A>G), located in coding exon 5 of the PRSS1 gene, results from an A to G substitution at nucleotide position 671. The asparagine at codon 224 is replaced by serine, an amino acid with highly similar properties. This amino acid position is conserved. In addition, this alteration is predicted to be tolerated by in silico analysis. Since supporting evidence is limited at this time, the clinical significance of this alteration remains unclear.